The following is an entry in ClinVar:

ClinVar aggregate classification (germline): Likely pathogenic. Review status: criteria provided, multiple submitters, no conflicts (2 of 4 stars). 2 submissions from 2 submitters: Likely pathogenic (2). Last evaluated 2025-05-12.

Conditions:
Hereditary cancer-predisposing syndrome. Also called: Tumor predisposition; Neoplastic Syndromes, Hereditary; Hereditary Cancer Syndrome; Hereditary neoplastic syndrome. Identifiers: Orphanet 140162, MedGen C0027672, MeSH D009386, MONDO:0015356.
Familial cancer of breast. Also called: Hereditary breast cancer; BREAST CANCER, FAMILIAL; hereditary breast carcinoma. Identifiers: Orphanet 227535, MedGen C0346153, MONDO:0016419, OMIM 114480. Disease mechanism: loss of function.

Submissions (2):

Molecular Pathology, Peter Maccallum Cancer Centre
Classification: Likely pathogenic for Familial cancer of breast. Last evaluated: 2025-05-12. Review status: criteria provided, single submitter. Criteria: ACMG Guidelines, 2015. Collection method: clinical testing. Allele origin: germline. Inheritance: Autosomal dominant inheritance.

Ambry Genetics
Classification: Likely pathogenic for Hereditary cancer-predisposing syndrome. Last evaluated: 2017-11-15. Review status: criteria provided, single submitter. Criteria: Ambry Variant Classification Scheme 2023. Collection method: clinical testing. Allele origin: germline.
Comment: The c.3201+1delG intronic variant, located in intron 11 of the PALB2 gene, results from a deletion of one nucleotide within intron 11 of the PALB2 gene. This nucleotide position is highly conserved in available vertebrate species. Using the BDGP and ESEfinder splice site prediction tools, the native donor splice site is abolished and an alternative site is generated one nucleotide upstream which may result in a translational frameshift with a predicted alternate stop codon; however, direct evidence is unavailable. Alterations that disrupt the canonical splice site are expected to cause aberrant splicing, resulting in an abnormal protein or a transcript that is subject to nonsense-mediated mRNA decay. As such, this alteration is classified as likely pathogenic.

NM_024675.4(PALB2):c.3201+1del

Gene: PALB2 (partner and localizer of BRCA2; minus strand). Cytogenetic location: 16p12.2.
Variant type: Deletion.
Coding change: c.3201+1del on transcript NM_024675.4 (MANE Select); the canonical splice donor site of the intron after coding-DNA position 3201, one base deleted (G; older notation c.3201+1delG).
Molecular consequence: splice donor variant. On other transcripts: intron variant (3).
Genome position (GRCh38, 1-based): chr16:23,614,003, C deleted on the plus strand (G on the coding strand, the reverse complement: PALB2 is on the minus strand); the first of 2 consecutive C bases (chr16:23,614,003-23,614,004); deleting either gives the same sequence. VCF-style (leftmost placement, unchanged base first): chr16-23614002-AC-A. GRCh37 (hg19) VCF-style: chr16-23625323-AC-A.
Other names: c.2228+7359del (NM_001407308.1, NM_001407309.1); c.2316+1del (NM_001407306.1, NM_001407311.1, NM_001407305.1 and 2 more transcripts); c.735+1del (NM_001407314.1); c.1413+1del (NM_001407313.1, NM_001407312.1); c.3141+1del (NM_001407296.1); c.3129+1del (NM_001407297.1); c.3039+1del (NM_001407302.1, NM_001407298.1); c.2922+1del (NM_001407300.1); and 3 more.
Identifiers: ClinVar variation 1728819 (VCV001728819.3), dbSNP rs2506264238, ClinGen allele CA2580091247.
Genomic context (GRCh38, chr16:23,614,002, plus strand): 5'-CTGCTCTCACTTAATGAGACCAACAGTAACACACAAAGTGGTCCCAGCCAGTCATTACTT[AC>A]CATTTCAGAATAGGCTTTGTGACAGACTGAAGCTTGGTAAGAATCATCAATGTGCATCTT-3'